The following is an entry in ClinVar:

NM_001365693.1(MGAM):c.1926C>T (p.Gly642=)

Gene: MGAM (maltase-glucoamylase; plus strand). Cytogenetic location: 7q34.
Variant type: single nucleotide variant.
Coding change: c.1926C>T on transcript NM_001365693.1 (MANE Select); coding-DNA position 1926, C replaced by T.
Protein change: p.Gly642=; no amino-acid change (glycine 642 retained).
Molecular consequence: synonymous variant.
Genome position (GRCh38, 1-based): chr7:142,034,808, C>T. VCF-style: chr7-142034808-C-T. GRCh37 (hg19) VCF-style: chr7-141734608-C-T.
Other names: NC_000007.13:g.141734608C>T; c.1926C>T, p.Gly642= (NM_004668.3).
Identifiers: ClinVar variation 2658099 (VCV002658099.25), dbSNP rs201866973, ClinGen allele CA4520933.

ClinVar aggregate classification (germline): Likely benign (1 of 4 stars; one submission).

Allele frequency attached by ClinVar (database versions not stated): ExAC 0.00032; 1000 Genomes Project 30x 0.00047; 1000 Genomes Project 0.00060; ESP Exome Variant Server 0.00098; gnomAD 0.00115; TOPMed 0.00117.
gnomAD v4.1: 350 of 1,613,162 alleles (0.022%); highest among the groups gnomAD compares: African/African-American, 0.4%; 1 homozygote.

Submissions (2):

CeGaT Center for Human Genetics Tuebingen
Classification: Likely benign. Last evaluated: 2022-03-01. Review status: criteria provided, single submitter. Criteria: CeGaT Center For Human Genetics Tuebingen Variant Classification Criteria Version 2. Collection method: clinical testing. Allele origin: germline. Affected: yes. Observed: 1 variant allele.
Comment: MGAM: BP4, BP7

Dr. Peter K. Rogan Lab, Western University
No classification provided (evidence only). Condition: Clear cell carcinoma of kidney. Review status: no classification provided. Collection method: in vitro. Allele origin: not applicable. Functional consequence: retained intron. Not counted in ClinVar's aggregate classification.